The following is an entry in ClinVar:

NM_014727.3(KMT2B):c.4761C>T (p.Tyr1587=)

Gene: KMT2B (lysine methyltransferase 2B; plus strand). Cytogenetic location: 19q13.12.
Variant type: single nucleotide variant.
Coding change: c.4761C>T on transcript NM_014727.3 (MANE Select); coding-DNA position 4761, C replaced by T.
Protein change: p.Tyr1587=; no amino-acid change (tyrosine 1587 retained).
Molecular consequence: synonymous variant.
Genome position (GRCh38, 1-based): chr19:35,729,058, C>T. VCF-style: chr19-35729058-C-T. GRCh37 (hg19) VCF-style: chr19-36219959-C-T.
Other names: c.4761C>T (NM_014727.2).
Identifiers: ClinVar variation 2916704 (VCV002916704.6), dbSNP rs529292240, ClinGen allele CA9385204.
Genomic context (GRCh38, chr19:35,729,058, plus strand): 5'-GGATCCGGCTGCCTTCTCACACCTGGAGGACCCCCGTCAGTGTGCACTCTGCCTCAAATA[C>T]GGGGATGCAGACTCCAAGGTGAGGGCTGCTCTGTGACGCACCAGGTTGTGGGGCCTGTTC-3'
Protein context (NP_055542.1, residues 1577-1597): DPRQCALCLK[Tyr1587=]GDADSKEAGR

ClinVar aggregate classification (germline): Benign/Likely benign. Review status: criteria provided, multiple submitters, no conflicts (2 of 4 stars). 3 submissions from 3 submitters: Benign (1); Likely benign (1). 1 of the submissions does not count toward it. Last evaluated 2025-03-03.

Conditions:
KMT2B-related disorder. Also called: KMT2B-related disorders; KMT2B-related condition. Identifiers: MedGen CN381338.

Allele frequency attached by ClinVar (database versions not stated): gnomAD exomes 0.00003; ExAC 0.00006; TOPMed 0.00009; gnomAD 0.00013; 1000 Genomes Project 30x 0.00016; 1000 Genomes Project 0.00020.
gnomAD v4.1: 60 of 1,614,010 alleles (0.0037%); highest among the groups gnomAD compares: African/African-American, 0.032%; no homozygotes.

Submissions (3):

Labcorp Genetics (formerly Invitae), Labcorp
Classification: Benign. Last evaluated: 2025-03-03. Review status: criteria provided, single submitter. Criteria: Invitae Variant Classification Sherloc (09022015). Collection method: clinical testing. Allele origin: germline.

Blueprint Genetics
Classification: Likely benign. Last evaluated: 2024-09-06. Review status: criteria provided, single submitter. Criteria: ACMG Guidelines, 2015. Collection method: clinical testing. Allele origin: germline.

PreventionGenetics, part of Exact Sciences
Classification: Likely benign for KMT2B-related condition. Last evaluated: 2019-09-11. Review status: no assertion criteria provided. Collection method: clinical testing. Allele origin: germline. Not counted in ClinVar's aggregate classification.
Comment: This variant is classified as likely benign based on ACMG/AMP sequence variant interpretation guidelines (Richards et al. 2015 PMID: 25741868, with internal and published modifications).